The following is an entry in ClinVar:

NM_024408.4(NOTCH2):c.2369A>T (p.Tyr790Phe)

Gene: NOTCH2 (notch receptor 2; minus strand). Cytogenetic location: 1p12.
Variant type: single nucleotide variant.
Coding change: c.2369A>T on transcript NM_024408.4 (MANE Select); coding-DNA position 2369, A replaced by T.
Protein change: p.Tyr790Phe; replaces tyrosine 790 with phenylalanine.
Molecular consequence: missense variant.
Genome position (GRCh38, 1-based): chr1:119,950,834, T>A on the plus strand (A>T on the coding strand, the complement: NOTCH2 is on the minus strand). VCF-style: chr1-119950834-T-A. GRCh37 (hg19) VCF-style: chr1-120493457-T-A.
Other names: c.2369A>T, p.Tyr790Phe (NM_001200001.2); short protein forms Y790F.
Identifiers: ClinVar variation 4746146 (VCV004746146.1).
Genomic context (GRCh38, chr1:119,950,834, plus strand): 5'-CAGGTTCCTTGGTTCAGGCATGGATTTGAGGCACATTCATCAATATTCACCTGGCAGTTA[T>A]AGCCTGTAGACAAAAGGAAAAAACCAAAAACAGTAAAACTTTCTGACAGCCTCATCAATT-3'
Protein context (NP_077719.2, residues 780-800): RCTCKKGFKG[Tyr790Phe]NCQVNIDECA

ClinVar aggregate classification (germline): Uncertain significance (1 of 4 stars; one submission).

Conditions:
Hajdu-Cheney syndrome (HJCYS). Also called: SERPENTINE FIBULA-POLYCYSTIC KIDNEY SYNDROME; Acroosteolysis dominant type; ACROOSTEOLYSIS WITH OSTEOPOROSIS AND CHANGES IN SKULL AND MANDIBLE. Identifiers: Orphanet 955, MedGen C0917715, MONDO:0007057, OMIM 102500.

Submission:

Labcorp Genetics (formerly Invitae), Labcorp
Classification: Uncertain significance for Hajdu-Cheney syndrome. Last evaluated: 2025-09-09. Review status: criteria provided, single submitter. Criteria: Invitae Variant Classification Sherloc (09022015). Collection method: clinical testing. Allele origin: germline.
Comment: This sequence change replaces tyrosine, which is neutral and polar, with phenylalanine, which is neutral and non-polar, at codon 790 of the NOTCH2 protein (p.Tyr790Phe). This variant is not present in population databases (gnomAD no frequency). This variant has not been reported in the literature in individuals affected with NOTCH2-related conditions. Invitae Evidence Modeling of protein sequence and biophysical properties (such as structural, functional, and spatial information, amino acid conservation, physicochemical variation, residue mobility, and thermodynamic stability) indicates that this missense variant is not expected to disrupt NOTCH2 protein function with a negative predictive value of 80%. In summary, the available evidence is currently insufficient to determine the role of this variant in disease. Therefore, it has been classified as a Variant of Uncertain Significance.